The following is an entry in ClinVar:

ClinVar aggregate classification (germline): Uncertain significance (1 of 4 stars; one submission).

Conditions:
Spastic paraplegia. Identifiers: MedGen C0037772, HP:0001258.

Allele frequency attached by ClinVar (database versions not stated): TOPMed below 0.00001; gnomAD 0.00001.
gnomAD v4.1: 1 of 1,613,800 alleles (0.000062%); highest among the groups gnomAD compares: East Asian, 0.0022%; no homozygotes.

Submission:

Labcorp Genetics (formerly Invitae), Labcorp
Classification: Uncertain significance for Spastic paraplegia. Last evaluated: 2024-02-17. Review status: criteria provided, single submitter. Criteria: Invitae Variant Classification Sherloc (09022015). Collection method: clinical testing. Allele origin: germline.
Comment: This sequence change replaces lysine, which is basic and polar, with arginine, which is basic and polar, at codon 781 of the KIF5A protein (p.Lys781Arg). This variant is not present in population databases (gnomAD no frequency). This variant has not been reported in the literature in individuals affected with KIF5A-related conditions. ClinVar contains an entry for this variant (Variation ID: 1521780). Advanced modeling of protein sequence and biophysical properties (such as structural, functional, and spatial information, amino acid conservation, physicochemical variation, residue mobility, and thermodynamic stability) has been performed at Invitae for this missense variant, however the output from this modeling did not meet the statistical confidence thresholds required to predict the impact of this variant on KIF5A protein function. In summary, the available evidence is currently insufficient to determine the role of this variant in disease. Therefore, it has been classified as a Variant of Uncertain Significance.

NM_004984.4(KIF5A):c.2342A>G (p.Lys781Arg)

Gene: KIF5A (kinesin family member 5A; plus strand). Cytogenetic location: 12q13.3.
Variant type: single nucleotide variant.
Coding change: c.2342A>G on transcript NM_004984.4 (MANE Select); coding-DNA position 2342, A replaced by G.
Protein change: p.Lys781Arg; replaces lysine 781 with arginine.
Molecular consequence: missense variant.
Genome position (GRCh38, 1-based): chr12:57,577,754, A>G. VCF-style: chr12-57577754-A-G. GRCh37 (hg19) VCF-style: chr12-57971537-A-G.
Other names: c.2075A>G, p.Lys692Arg (NM_001354705.2); short protein forms K692R, K781R.
Identifiers: ClinVar variation 1521780 (VCV001521780.6), dbSNP rs1461718357, ClinGen allele CA385512641.